The following is an entry in ClinVar:

ClinVar aggregate classification (germline): Uncertain significance. Review status: criteria provided, multiple submitters, no conflicts (2 of 4 stars). 3 submissions from 3 submitters: Uncertain significance (2). 1 of the submissions does not count toward it. Last evaluated 2025-08-20.

Conditions:
Inborn genetic diseases. Identifiers: MedGen C0950123, MeSH D030342.
Autosomal recessive limb-girdle muscular dystrophy type 2B (LGMDR2). Also called: Limb-Girdle Muscular Dystrophy Type 2B (LGMD2B); Limb-girdle muscular dystrophy, type 2B; MUSCULAR DYSTROPHY, LIMB-GIRDLE, AUTOSOMAL RECESSIVE 2; MUSCULAR DYSTROPHY, LIMB-GIRDLE, TYPE 3. Identifiers: Orphanet 268, MedGen C1850889, MONDO:0009676, OMIM 253601.
Neuromuscular disease caused by qualitative or quantitative defects of dysferlin. Also called: Qualitative or quantitative defects of dysferlin; Dysferlinopathy. Identifiers: Orphanet 207073, MedGen C2931687, MONDO:0016145.

gnomAD v4.1: 1 of 1,610,072 alleles (0.000062%); highest among the groups gnomAD compares: Admixed American, 0.0017%; no homozygotes.

Submissions (3):

Ambry Genetics
Classification: Uncertain significance for Inborn genetic diseases. Last evaluated: 2025-08-20. Review status: criteria provided, single submitter. Criteria: Ambry Variant Classification Scheme 2023. Collection method: clinical testing. Allele origin: germline.

Labcorp Genetics (formerly Invitae), Labcorp
Classification: Uncertain significance for Neuromuscular disease caused by qualitative or quantitative defects of dysferlin. Last evaluated: 2022-07-06. Review status: criteria provided, single submitter. Criteria: Invitae Variant Classification Sherloc (09022015). Collection method: clinical testing. Allele origin: germline.
Comment: This sequence change replaces valine, which is neutral and non-polar, with alanine, which is neutral and non-polar, at codon 1823 of the DYSF protein (p.Val1823Ala). This variant is not present in population databases (gnomAD no frequency). This variant has not been reported in the literature in individuals affected with DYSF-related conditions. ClinVar contains an entry for this variant (Variation ID: 1024983). Algorithms developed to predict the effect of missense changes on protein structure and function (SIFT, PolyPhen-2, Align-GVGD) all suggest that this variant is likely to be disruptive. In summary, the available evidence is currently insufficient to determine the role of this variant in disease. Therefore, it has been classified as a Variant of Uncertain Significance.

Natera, Inc.
Classification: Uncertain significance for Limb-girdle muscular dystrophy type 2B. Last evaluated: 2020-04-27. Review status: no assertion criteria provided. Collection method: clinical testing. Allele origin: germline. Not counted in ClinVar's aggregate classification.

NM_001130987.2(DYSF):c.5585T>C (p.Val1862Ala)

Gene: DYSF (dysferlin; plus strand). Cytogenetic location: 2p13.2.
Variant type: single nucleotide variant.
Coding change: c.5585T>C on transcript NM_001130987.2 (MANE Select); coding-DNA position 5585, T replaced by C.
Protein change: p.Val1862Ala; replaces valine 1862 with alanine.
Molecular consequence: missense variant.
Genome position (GRCh38, 1-based): chr2:71,669,150, T>C. VCF-style: chr2-71669150-T-C. GRCh37 (hg19) VCF-style: chr2-71896280-T-C.
Other names: c.5468T>C (NM_003494.3); c.5471T>C, p.Val1824Ala (NM_001130455.2); c.5426T>C, p.Val1809Ala (NM_001130976.2); c.5489T>C, p.Val1830Ala (NM_001130977.2); c.5531T>C, p.Val1844Ala (NM_001130978.2); c.5561T>C, p.Val1854Ala (NM_001130979.2); c.5519T>C, p.Val1840Ala (NM_001130980.2); c.5582T>C, p.Val1861Ala (NM_001130981.2); and 6 more; short protein forms V1809A, V1810A, V1823A, V1824A, V1830A, V1831A, V1840A, V1841A.
Identifiers: ClinVar variation 1024983 (VCV001024983.11), dbSNP rs886043339, ClinGen allele CA347222843.